The following is an entry in ClinVar:

ClinVar aggregate classification (germline): Conflicting classifications of pathogenicity. Review status: criteria provided, conflicting classifications (1 of 4 stars). 2 submissions from 2 submitters: Uncertain significance (1); Likely benign (1). Last evaluated 2023-06-01.

Conditions:
Inborn genetic diseases. Identifiers: MedGen C0950123, MeSH D030342.

Allele frequency attached by ClinVar (database versions not stated): gnomAD exomes 0.00009; ExAC 0.00011; gnomAD 0.00011; TOPMed 0.00014; ESP Exome Variant Server 0.00023; 1000 Genomes Project 0.00040; 1000 Genomes Project 30x 0.00047.
gnomAD v4.1: 159 of 1,612,292 alleles (0.0099%); highest among the groups gnomAD compares: Middle Eastern, 0.066%; no homozygotes.

Submissions (2):

CeGaT Center for Human Genetics Tuebingen
Classification: Likely benign. Last evaluated: 2023-06-01. Review status: criteria provided, single submitter. Criteria: CeGaT Center For Human Genetics Tuebingen Variant Classification Criteria Version 2. Collection method: clinical testing. Allele origin: germline. Affected: yes. Observed: 1 variant allele.
Comment: HERC2: BP4

Ambry Genetics
Classification: Uncertain significance for Inborn genetic diseases. Last evaluated: 2022-08-05. Review status: criteria provided, single submitter. Criteria: Ambry Variant Classification Scheme 2023. Collection method: clinical testing. Allele origin: germline.
Comment: The c.12662+4C>T intronic alteration consists of a C to T substitution nucleotides after coding exon 81 in the HERC2 gene. Based on insufficient or conflicting evidence, the clinical significance of this alteration remains unclear.

NM_004667.6(HERC2):c.12662+4C>T

Gene: HERC2 (HECT and RLD domain containing E3 ubiquitin protein ligase 2; minus strand). Cytogenetic location: 15q13.1.
Variant type: single nucleotide variant.
Coding change: c.12662+4C>T on transcript NM_004667.6 (MANE Select); 4 bases into the intron after coding-DNA position 12662, C replaced by T.
Molecular consequence: intron variant.
Genome position (GRCh38, 1-based): chr15:28,130,499, G>A on the plus strand (C>T on the coding strand, the complement: HERC2 is on the minus strand). VCF-style: chr15-28130499-G-A. GRCh37 (hg19) VCF-style: chr15-28375645-G-A.
Identifiers: ClinVar variation 2298783 (VCV002298783.26), dbSNP rs377613646, ClinGen allele CA7440251.
Genomic context (GRCh38, chr15:28,130,499, plus strand): 5'-GTGGTGCACATACCCCAATAAAAATCTGGTTTTAGTGGGTTTAAACAAACAGAATCTTGC[G>A]TACCAGGTATAAACAGCTCCAGATTTGGTAAGGGCAACAGAAAACTGGGATCCGCATTCC-3'